The following is an entry in ClinVar:

NM_002473.6(MYH9):c.2785G>A (p.Glu929Lys)

Genes: MYH9 (myosin heavy chain 9; minus strand), LOC126863137 (CDK7 strongly-dependent group 2 enhancer GRCh37_chr22:36696002-36697201; plus strand). Cytogenetic location: 22q12.3.
Variant type: single nucleotide variant.
Coding change: c.2785G>A on transcript NM_002473.6 (MANE Select); coding-DNA position 2785, G replaced by A.
Protein change: p.Glu929Lys; replaces glutamic acid 929 with lysine.
Molecular consequence: missense variant.
Genome position (GRCh38, 1-based): chr22:36,300,904, C>T on the plus strand (G>A on the coding strand, the complement: MYH9 is on the minus strand). VCF-style: chr22-36300904-C-T. GRCh37 (hg19) VCF-style: chr22-36696950-C-T.
Other names: short protein forms E929K.
Identifiers: ClinVar variation 4746169 (VCV004746169.1).

ClinVar aggregate classification (germline): Uncertain significance (1 of 4 stars; one submission).

Submission:

Labcorp Genetics (formerly Invitae), Labcorp
Classification: Uncertain significance. Last evaluated: 2025-07-10. Review status: criteria provided, single submitter. Criteria: Invitae Variant Classification Sherloc (09022015). Collection method: clinical testing. Allele origin: germline.
Comment: This sequence change replaces glutamic acid, which is acidic and polar, with lysine, which is basic and polar, at codon 929 of the MYH9 protein (p.Glu929Lys). This variant is not present in population databases (gnomAD no frequency). This variant has not been reported in the literature in individuals affected with MYH9-related conditions. Invitae Evidence Modeling of protein sequence and biophysical properties (such as structural, functional, and spatial information, amino acid conservation, physicochemical variation, residue mobility, and thermodynamic stability) indicates that this missense variant is not expected to disrupt MYH9 protein function with a negative predictive value of 95%. In summary, the available evidence is currently insufficient to determine the role of this variant in disease. Therefore, it has been classified as a Variant of Uncertain Significance.